The following is an entry in ClinVar:

ClinVar aggregate classification (germline): Likely benign (1 of 4 stars; one submission).

Submission:

CeGaT Center for Human Genetics Tuebingen
Classification: Likely benign. Last evaluated: 2023-08-01. Review status: criteria provided, single submitter. Criteria: CeGaT Center For Human Genetics Tuebingen Variant Classification Criteria Version 2. Collection method: clinical testing. Allele origin: germline. Affected: yes. Observed: 1 variant allele.
Comment: MUC4: BS2

NM_018406.7(MUC4):c.11237_11284del (p.Pro3746_Leu3761del)

Gene: MUC4 (mucin 4, cell surface associated). Cytogenetic location: 3q29.
Variant type: Deletion.
Coding change: c.11237_11284del on transcript NM_018406.7 (MANE Select); coding-DNA positions 11237 to 11284, 48 bases deleted.
Protein change: p.Pro3746_Leu3761del.
Molecular consequence: inframe deletion. On other transcripts: genic upstream transcript variant (2).
Genome position: GRCh38: chr3:195,780,307-195,780,354. GRCh37 (hg19): chr3:195,507,178-195,507,225.
Other names: c.16071_16118del, p.Ser5366_Thr5381del (NM_001322468.1); c.83-6038_83-5991del (NM_138297.5); c.83-1888_83-1841del (NM_004532.6).
Identifiers: ClinVar variation 2654406 (VCV002654406.24), dbSNP rs777386950, ClinGen allele CA2769564.